The following is an entry in ClinVar:

NM_002693.3(POLG):c.220T>C (p.Leu74=)

Genes: POLG (DNA polymerase gamma, catalytic subunit; minus strand), POLGARF (POLG alternative reading frame; minus strand). Cytogenetic location: 15q26.1.
Variant type: single nucleotide variant.
Coding change: c.220T>C on transcript NM_002693.3 (MANE Select); coding-DNA position 220, T replaced by C.
Protein change: p.Leu74=; no amino-acid change (leucine 74 retained).
Molecular consequence: synonymous variant.
Genome position (GRCh38, 1-based): chr15:89,333,535, A>G on the plus strand (T>C on the coding strand, the complement: POLG is on the minus strand). VCF-style: chr15-89333535-A-G. GRCh37 (hg19) VCF-style: chr15-89876766-A-G.
Other names: c.220T>C, p.Leu74= (NM_001126131.2).
Identifiers: ClinVar variation 515909 (VCV000515909.10), dbSNP rs1241802528, ClinGen allele CA492290043.
Genomic context (GRCh38, chr15:89,333,535, plus strand): 5'-TCTCCCCTCCTTGCCCGAAGATTTGCTCGTGCAGCCCTCTCGAGAGCATCTGGATGTCCA[A>G]TGGGTTGTGCCGCAGCTGCCCGCCCTCCGAGGATAGCACTTGCGGCTGCTGAGGCTGCTG-3'
Protein context (NP_002684.1, residues 64-84): SEGGQLRHNP[Leu74=]DIQMLSRGLH

ClinVar aggregate classification (germline): Likely benign. Review status: criteria provided, multiple submitters, no conflicts (2 of 4 stars). 3 submissions from 3 submitters: Likely benign (2). 1 of the submissions does not count toward it. Last evaluated 2024-05-29.

Conditions:
POLG-related disorder. Also called: POLG-related condition; POLG-Related Disorders; POLG-Related Spectrum Disorders. Identifiers: MedGen C4763519.
Progressive sclerosing poliodystrophy (MTDPS4A). Also called: Alpers-Huttenlocher Syndrome (AHS); ALPERS PROGRESSIVE INFANTILE POLIODYSTROPHY; Mitochondrial DNA Depletion Syndrome 4A; Mitochondrial DNA depletion syndrome 4A (Alpers type); NEURONAL DEGENERATION OF CHILDHOOD WITH LIVER DISEASE, PROGRESSIVE; Alpers Syndrome. Identifiers: Orphanet 726, MedGen C0205710, MONDO:0008758, OMIM 203700.

Allele frequency attached by ClinVar (database versions not stated): gnomAD 0.00001; gnomAD exomes 0.00001.
gnomAD v4.1: 6 of 1,612,658 alleles (0.00037%); highest among the groups gnomAD compares: African/African-American, 0.0027%; no homozygotes.

Submissions (3):

Labcorp Genetics (formerly Invitae), Labcorp
Classification: Likely benign for Progressive sclerosing poliodystrophy. Last evaluated: 2024-05-29. Review status: criteria provided, single submitter. Criteria: Invitae Variant Classification Sherloc (09022015). Collection method: clinical testing. Allele origin: germline.

GeneDx
Classification: Likely benign. Last evaluated: 2021-03-01. Review status: criteria provided, single submitter. Criteria: GeneDx Variant Classification Process June 2021. Collection method: clinical testing. Allele origin: germline. Affected: yes.

PreventionGenetics, part of Exact Sciences
Classification: Likely benign for POLG-related condition. Last evaluated: 2019-03-15. Review status: no assertion criteria provided. Collection method: clinical testing. Allele origin: germline. Not counted in ClinVar's aggregate classification.
Comment: This variant is classified as likely benign based on ACMG/AMP sequence variant interpretation guidelines (Richards et al. 2015 PMID: 25741868, with internal and published modifications).